The following is an entry in ClinVar:

ClinVar aggregate classification (germline): Benign/Likely benign. Review status: criteria provided, multiple submitters, no conflicts (2 of 4 stars). 6 submissions from 6 submitters: Benign (2); Likely benign (3). 1 of the submissions does not count toward it. Last evaluated 2026-01-26.

Conditions:
Bohring-Opitz syndrome. Also called: C-LIKE SYNDROME; BOHRING SYNDROME; ASXL1-Related Bohring-Opitz Syndrome; OPITZ TRIGONOCEPHALY-LIKE SYNDROME. Identifiers: Orphanet 97297, MedGen C0796232, MONDO:0011510, OMIM 605039.
ASXL1-related disorder. Also called: ASXL1-related condition; ASXL1-related disorders.

Allele frequency attached by ClinVar (database versions not stated): gnomAD exomes 0.00013 and 0.00033; ExAC 0.00035; ESP Exome Variant Server 0.00108; gnomAD 0.00127; TOPMed 0.00137; 1000 Genomes Project 0.00180; 1000 Genomes Project 30x 0.00187.
gnomAD v4.1: 385 of 1,614,140 alleles (0.024%); highest among the groups gnomAD compares: African/African-American, 0.43%; 1 homozygote.

Submissions (6):

Labcorp Genetics (formerly Invitae), Labcorp
Classification: Likely benign. Last evaluated: 2026-01-26. Review status: criteria provided, single submitter. Criteria: Invitae Variant Classification Sherloc (09022015). Collection method: clinical testing. Allele origin: germline.

Blueprint Genetics
Classification: Likely benign. Last evaluated: 2024-02-20. Review status: criteria provided, single submitter. Criteria: ACMG Guidelines, 2015. Collection method: clinical testing. Allele origin: germline.

Genome-Nilou Lab
Classification: Benign for Bohring-Opitz syndrome. Last evaluated: 2021-12-05. Review status: criteria provided, single submitter. Criteria: ACMG Guidelines, 2015. Collection method: clinical testing. Allele origin: germline. Affected: no.

GeneDx
Classification: Benign. Last evaluated: 2020-02-28. Review status: criteria provided, single submitter. Criteria: GeneDx Variant Classification Process June 2021. Collection method: clinical testing. Allele origin: germline. Affected: yes.

Breakthrough Genomics
Classification: Likely benign. Review status: criteria provided, single submitter. Criteria: ACMG Guidelines, 2015. Collection method: not provided. Allele origin: germline. Inheritance: Autosomal dominant inheritance. Affected: yes.

PreventionGenetics, part of Exact Sciences
Classification: Likely benign for ASXL1-related condition. Last evaluated: 2024-07-10. Review status: no assertion criteria provided. Collection method: clinical testing. Allele origin: germline. Not counted in ClinVar's aggregate classification.
Comment: This variant is classified as likely benign based on ACMG/AMP sequence variant interpretation guidelines (Richards et al. 2015 PMID: 25741868, with internal and published modifications).

NM_015338.6(ASXL1):c.3029C>T (p.Thr1010Met)

Gene: ASXL1 (ASXL transcriptional regulator 1; plus strand). Cytogenetic location: 20q11.21.
Variant type: single nucleotide variant.
Coding change: c.3029C>T on transcript NM_015338.6 (MANE Select); coding-DNA position 3029, C replaced by T.
Protein change: p.Thr1010Met; replaces threonine 1010 with methionine.
Molecular consequence: missense variant.
Genome position (GRCh38, 1-based): chr20:32,435,741, C>T. VCF-style: chr20-32435741-C-T. GRCh37 (hg19) VCF-style: chr20-31023544-C-T.
Other names: c.2846C>T, p.Thr949Met (NM_001363734.1); short protein forms T1010M, T949M.
Identifiers: ClinVar variation 338105 (VCV000338105.16), dbSNP rs116112525, ClinGen allele CA9808745.
Genomic context (GRCh38, chr20:32,435,741, plus strand): 5'-AAGCACTGAGTCCTCACGGTGAGTCCACGGATACAGCCTCTGACTTTGAAGGTCACCTCA[C>T]GGAGGACAGCAGTGAGGCTGACACTAGAGAAGCTGCAGTGACAAAGGGATCTTCGGTGGA-3'
Protein context (NP_056153.2, residues 1000-1020): DTASDFEGHL[Thr1010Met]EDSSEADTRE